The following is an entry in ClinVar:

NM_001105206.3(LAMA4):c.4476-4C>A

Gene: LAMA4 (laminin subunit alpha 4; minus strand). Cytogenetic location: 6q21.
Variant type: single nucleotide variant.
Coding change: c.4476-4C>A on transcript NM_001105206.3 (MANE Select); 4 bases into the intron before coding-DNA position 4476, C replaced by A.
Molecular consequence: intron variant.
Genome position (GRCh38, 1-based): chr6:112,120,476, G>T on the plus strand (C>A on the coding strand, the complement: LAMA4 is on the minus strand). VCF-style: chr6-112120476-G-T. GRCh37 (hg19) VCF-style: chr6-112441679-G-T.
Other names: c.4455-4C>A (NM_002290.5, NM_001105207.3).
Identifiers: ClinVar variation 179673 (VCV000179673.12), dbSNP rs727505042, ClinGen allele CA184903.

ClinVar aggregate classification (germline): Conflicting classifications of pathogenicity. Review status: criteria provided, conflicting classifications (1 of 4 stars). 2 submissions from 2 submitters: Uncertain significance (1); Likely benign (1). Last evaluated 2022-11-01.

Conditions:
Dilated cardiomyopathy 1JJ (CMD1JJ). Identifiers: Orphanet 154, MedGen C3808935, MONDO:0014095, OMIM 615235.

Allele frequency attached by ClinVar (database versions not stated): gnomAD 0.00001; gnomAD exomes 0.00001 and 0.00002; TOPMed 0.00001; ExAC 0.00003.
gnomAD v4.1: 12 of 1,609,492 alleles (0.00075%); highest among the groups gnomAD compares: Non-Finnish European, 0.00085%; no homozygotes.

Submissions (2):

Labcorp Genetics (formerly Invitae), Labcorp
Classification: Likely benign for Dilated cardiomyopathy 1JJ. Last evaluated: 2022-11-01. Review status: criteria provided, single submitter. Criteria: Invitae Variant Classification Sherloc (09022015). Collection method: clinical testing. Allele origin: germline.

Laboratory for Molecular Medicine, Mass General Brigham Personalized Medicine
Classification: Uncertain significance. Last evaluated: 2014-04-09. Review status: criteria provided, single submitter. Criteria: LMM Criteria. Collection method: clinical testing. Allele origin: germline. Observed: 1 variant allele.
Comment: The 4455-4C>A variant in LAMA4 has not been previously reported in individuals w ith cardiomyopathy and data from large population studies is insufficient to ass ess the frequency of this variant. This variant is located in the 3' splice regi on. Computational tools do not suggest an impact to splicing. However, this info rmation is not predictive enough to rule out pathogenicity. Additional informati on is needed to fully assess the clinical significance of the 4455-4C>A variant.